The following is an entry in ClinVar:

NM_138691.3(TMC1):c.1343C>G (p.Ala448Gly)

Gene: TMC1 (transmembrane channel like 1; plus strand). Cytogenetic location: 9q21.13.
Variant type: single nucleotide variant.
Coding change: c.1343C>G on transcript NM_138691.3 (MANE Select); coding-DNA position 1343, C replaced by G.
Protein change: p.Ala448Gly; replaces alanine 448 with glycine.
Molecular consequence: missense variant.
Genome position (GRCh38, 1-based): chr9:72,792,004, C>G. VCF-style: chr9-72792004-C-G. GRCh37 (hg19) VCF-style: chr9-75406920-C-G.
Other names: short protein forms A448G.
Identifiers: ClinVar variation 2442532 (VCV002442532.1), dbSNP rs2489926343, ClinGen allele CA373506328.

ClinVar aggregate classification (germline): Uncertain significance (1 of 4 stars; one submission).

Submission:

GeneDx
Classification: Uncertain significance. Last evaluated: 2022-09-01. Review status: criteria provided, single submitter. Criteria: GeneDx Variant Classification Process June 2021. Collection method: clinical testing. Allele origin: germline. Affected: yes.
Comment: Not observed at significant frequency in large population cohorts (gnomAD); In silico analysis supports that this missense variant has a deleterious effect on protein structure/function; Has not been previously published as pathogenic or benign to our knowledge